The following is an entry in ClinVar:

NM_001017420.3(ESCO2):c.313_314del (p.Glu104_Ser105insTer)

Gene: ESCO2 (establishment of sister chromatid cohesion N-acetyltransferase 2; plus strand). Cytogenetic location: 8p21.1.
Variant type: Microsatellite.
Coding change: c.313_314del on transcript NM_001017420.3 (MANE Select); coding-DNA positions 313 to 314, 2 bases deleted (AG; older notation c.313_314delAG).
Protein change: p.Glu104_Ser105insTer.
Molecular consequence: nonsense.
Genome position (GRCh38, 1-based): chr8:27,776,621-27,776,622, AG deleted; deleting any 2 consecutive bases within chr8:27,776,617-27,776,622 gives the same sequence; the c. name uses the placement nearest the transcript's 3' end. VCF-style (leftmost placement, unchanged base first): chr8-27776616-AAG-A. GRCh37 (hg19) VCF-style: chr8-27634133-AAG-A.
Identifiers: ClinVar variation 1403665 (VCV001403665.7), dbSNP rs2128951110, ClinGen allele CA2580614317.

ClinVar aggregate classification (germline): Pathogenic/Likely pathogenic. Review status: criteria provided, multiple submitters, no conflicts (2 of 4 stars). 2 submissions from 2 submitters: Pathogenic (1); Likely pathogenic (1). Last evaluated 2024-01-24.

Conditions:
Juberg-Hayward syndrome (JHS). Also called: OROCRANIODIGITAL SYNDROME; Cleft lip/palate with abnormal thumbs and microcephaly. Identifiers: Orphanet 2319, MedGen C0796099, MONDO:0008992, OMIM 216100.
Roberts-SC phocomelia syndrome (RBS). Also called: Pseudothalidomide syndrome; Appelt-Gerken-Lenz syndrome; LONG BONE DEFICIENCIES ASSOCIATED WITH CLEFT LIP-PALATE; ESCO2 Spectrum Disorder; Hypomelia hypotrichosis facial hemangioma syndrome. Identifiers: Orphanet 3103, MedGen C0392475, MONDO:0100253, OMIM 268300.

Submissions (2):

Fulgent Genetics
Classification: Likely pathogenic for Juberg-Hayward syndrome; Roberts-SC phocomelia syndrome. Last evaluated: 2024-01-24. Review status: criteria provided, single submitter. Criteria: ACMG Guidelines, 2015. Collection method: clinical testing. Allele origin: germline.

Labcorp Genetics (formerly Invitae), Labcorp
Classification: Pathogenic. Last evaluated: 2021-03-22. Review status: criteria provided, single submitter. Criteria: Invitae Variant Classification Sherloc (09022015). Collection method: clinical testing. Allele origin: germline.
Comment: For these reasons, this variant has been classified as Pathogenic. This variant has not been reported in the literature in individuals with ESCO2-related conditions. This variant is not present in population databases (ExAC no frequency). This sequence change creates a premature translational stop signal (p.Ser105*) in the ESCO2 gene. It is expected to result in an absent or disrupted protein product. Loss-of-function variants in ESCO2 are known to be pathogenic (PMID: 15821733, 16380922).

Literature cited by the submitters: PubMed 15821733 (cited by Labcorp Genetics (formerly Invitae), Labcorp); PubMed 16380922 (cited by Labcorp Genetics (formerly Invitae), Labcorp).